The following is an entry in ClinVar:

ClinVar aggregate classification (germline): Uncertain significance. Review status: criteria provided, multiple submitters, no conflicts (2 of 4 stars). 2 submissions from 2 submitters: Uncertain significance (2). Last evaluated 2024-11-25.

Conditions:
Inborn genetic diseases. Identifiers: MedGen C0950123, MeSH D030342.

Allele frequency attached by ClinVar (database versions not stated): gnomAD exomes below 0.00001; TOPMed 0.00001.
gnomAD v4.1: 7 of 1,614,178 alleles (0.00043%); highest among the groups gnomAD compares: Non-Finnish European, 0.00051%; no homozygotes.

Submissions (2):

Labcorp Genetics (formerly Invitae), Labcorp
Classification: Uncertain significance. Last evaluated: 2024-11-25. Review status: criteria provided, single submitter. Criteria: Invitae Variant Classification Sherloc (09022015). Collection method: clinical testing. Allele origin: germline.
Comment: This sequence change replaces alanine, which is neutral and non-polar, with valine, which is neutral and non-polar, at codon 1995 of the SNRNP200 protein (p.Ala1995Val). This variant is present in population databases (no rsID available, gnomAD 0.003%). This variant has not been reported in the literature in individuals affected with SNRNP200-related conditions. ClinVar contains an entry for this variant (Variation ID: 2308223). Invitae Evidence Modeling of protein sequence and biophysical properties (such as structural, functional, and spatial information, amino acid conservation, physicochemical variation, residue mobility, and thermodynamic stability) indicates that this missense variant is not expected to disrupt SNRNP200 protein function with a negative predictive value of 95%. In summary, the available evidence is currently insufficient to determine the role of this variant in disease. Therefore, it has been classified as a Variant of Uncertain Significance.

Ambry Genetics
Classification: Uncertain significance for Inborn genetic diseases. Last evaluated: 2022-08-17. Review status: criteria provided, single submitter. Criteria: Ambry Variant Classification Scheme 2023. Collection method: clinical testing. Allele origin: germline.

NM_014014.5(SNRNP200):c.5984C>T (p.Ala1995Val)

Gene: SNRNP200 (small nuclear ribonucleoprotein U5 subunit 200; minus strand). Cytogenetic location: 2q11.2.
Variant type: single nucleotide variant.
Coding change: c.5984C>T on transcript NM_014014.5 (MANE Select); coding-DNA position 5984, C replaced by T.
Protein change: p.Ala1995Val; replaces alanine 1995 with valine.
Molecular consequence: missense variant.
Genome position (GRCh38, 1-based): chr2:96,277,189, G>A on the plus strand (C>T on the coding strand, the complement: SNRNP200 is on the minus strand). VCF-style: chr2-96277189-G-A. GRCh37 (hg19) VCF-style: chr2-96942927-G-A.
Other names: short protein forms A1995V.
Identifiers: ClinVar variation 2308223 (VCV002308223.4), dbSNP rs906884331, ClinGen allele CA52385299.
Genomic context (GRCh38, chr2:96,277,189, plus strand): 5'-GGGTAGCGGTTACAAAAGCGAGCCACATCTGCAATCTGGCTGTCAGTCAGCTGAAGCAAC[G>A]CGTTCCGTTCTTCATCCTCCATCTCCATGATGTCGAAAACACTCTCCACTCCCTGCAGTG-3'
Protein context (NP_054733.2, residues 1985-2005): IMEMEDEERN[Ala1995Val]LLQLTDSQIA